The following is an entry in ClinVar:

ClinVar aggregate classification (germline): Benign (1 of 4 stars; one submission).

Allele frequency attached by ClinVar (database versions not stated): 1000 Genomes Project 30x 0.00453; gnomAD 0.00530.
gnomAD v4.1: 328 of 61,070 alleles (0.54%); highest among the groups gnomAD compares: Middle Eastern, 1.5%; no homozygotes.

Submission:

CeGaT Center for Human Genetics Tuebingen
Classification: Benign. Last evaluated: 2022-03-01. Review status: criteria provided, single submitter. Criteria: CeGaT Center For Human Genetics Tuebingen Variant Classification Criteria Version 2. Collection method: clinical testing. Allele origin: germline. Affected: yes. Observed: 1 variant allele.
Comment: SORL1: BS1, BS2

NM_003105.6(SORL1):c.528+3213T>C

Gene: SORL1 (sortilin related receptor 1; plus strand). Cytogenetic location: 11q24.1.
Variant type: single nucleotide variant.
Coding change: c.528+3213T>C on transcript NM_003105.6 (MANE Select); 3213 bases into the intron after coding-DNA position 528, T replaced by C.
Molecular consequence: intron variant.
Genome position (GRCh38, 1-based): chr11:121,481,456, T>C. VCF-style: chr11-121481456-T-C. GRCh37 (hg19) VCF-style: chr11-121352165-T-C.
Identifiers: ClinVar variation 2642473 (VCV002642473.24), dbSNP rs78051777, ClinGen allele CA229963912.